The following is an entry in ClinVar:

ClinVar aggregate classification (germline): Benign/Likely benign. Review status: criteria provided, multiple submitters, no conflicts (2 of 4 stars). 2 submissions from 2 submitters: Benign (1); Likely benign (1). Last evaluated 2026-02-01.

Conditions:
Dextro-looped transposition of the great arteries. Also called: Dextrotransposition of the great arteries. Identifiers: Orphanet 860, MedGen C3531771, MONDO:0019443, OMIM 608808, HP:0031348.

gnomAD v4.1: 35 of 1,613,684 alleles (0.0022%); highest among the groups gnomAD compares: East Asian, 0.071%; no homozygotes.

Submissions (2):

CeGaT Center for Human Genetics Tuebingen
Classification: Likely benign. Last evaluated: 2026-02-01. Review status: criteria provided, single submitter. Criteria: CeGaT Center For Human Genetics Tuebingen Variant Classification Criteria Version 2. Collection method: clinical testing. Allele origin: germline. Affected: yes. Observed: 1 variant allele.
Comment: MED13L: BP4, BP7

Labcorp Genetics (formerly Invitae), Labcorp
Classification: Benign for Dextro-looped transposition of the great arteries. Last evaluated: 2024-04-02. Review status: criteria provided, single submitter. Criteria: Invitae Variant Classification Sherloc (09022015). Collection method: clinical testing. Allele origin: germline.

NM_015335.5(MED13L):c.699T>C (p.Arg233=)

Gene: MED13L (mediator complex subunit 13L; minus strand). Cytogenetic location: 12q24.21.
Variant type: single nucleotide variant.
Coding change: c.699T>C on transcript NM_015335.5 (MANE Select); coding-DNA position 699, T replaced by C.
Protein change: p.Arg233=; no amino-acid change (arginine 233 retained).
Molecular consequence: synonymous variant.
Genome position (GRCh38, 1-based): chr12:116,019,899, A>G on the plus strand (T>C on the coding strand, the complement: MED13L is on the minus strand). VCF-style: chr12-116019899-A-G. GRCh37 (hg19) VCF-style: chr12-116457704-A-G.
Identifiers: ClinVar variation 3724939 (VCV003724939.6).
Genomic context (GRCh38, chr12:116,019,899, plus strand): 5'-CGATTCTTCTTTCTTTTTTAGCACCATCGGGTAGAAATACTGCCATTCCTCAATCAACTT[A>G]CGAGTGGCTGGGTCTGACATCTTGTATGCTTGGCCTGTTAGCGTCCCATTTAAGCCATAA-3'
Protein context (NP_056150.1, residues 223-243): QAYKMSDPAT[Arg233=]KLIEEWQYFY